The following is an entry in ClinVar:

ClinVar aggregate classification (germline): Conflicting classifications of pathogenicity. Review status: criteria provided, conflicting classifications (1 of 4 stars). 3 submissions from 3 submitters: Uncertain significance (2); Likely benign (1). Last evaluated 2025-09-23.

Conditions:
Cardiovascular phenotype. Identifiers: MedGen CN230736.
Long QT syndrome (LQTS). Identifiers: MedGen C0023976, MeSH D008133, MONDO:0002442. Disease mechanism: loss of function. Inheritance: Various modes of inheritance.
Long QT syndrome 11 (LQT11). Identifiers: Orphanet 101016, Orphanet 768, MedGen C2678483, MONDO:0012738, OMIM 611820.

Allele frequency attached by ClinVar (database versions not stated): gnomAD exomes 0.00001.
gnomAD v4.1: 18 of 1,614,196 alleles (0.0011%); highest among the groups gnomAD compares: Non-Finnish European, 0.0015%; no homozygotes.

Submissions (3):

Labcorp Genetics (formerly Invitae), Labcorp
Classification: Uncertain significance for Long QT syndrome. Last evaluated: 2025-09-23. Review status: criteria provided, single submitter. Criteria: Invitae Variant Classification Sherloc (09022015). Collection method: clinical testing. Allele origin: germline.
Comment: This sequence change replaces alanine, which is neutral and non-polar, with valine, which is neutral and non-polar, at codon 3738 of the AKAP9 protein (p.Ala3738Val). This variant is not present in population databases (gnomAD no frequency). This variant has not been reported in the literature in individuals affected with AKAP9-related conditions. ClinVar contains an entry for this variant (Variation ID: 1497491). An algorithm developed to predict the effect of missense changes on protein structure and function (PolyPhen-2) suggests that this variant is likely to be tolerated. In summary, the available evidence is currently insufficient to determine the role of this variant in disease. Therefore, it has been classified as a Variant of Uncertain Significance.

Ambry Genetics
Classification: Likely benign for Cardiovascular phenotype. Last evaluated: 2025-03-21. Review status: criteria provided, single submitter. Criteria: Ambry Variant Classification Scheme 2023. Collection method: clinical testing. Allele origin: germline.

Fulgent Genetics
Classification: Uncertain significance for Long QT syndrome 11. Last evaluated: 2021-07-26. Review status: criteria provided, single submitter. Criteria: ACMG Guidelines, 2015. Collection method: clinical testing. Allele origin: unknown.

NM_005751.5(AKAP9):c.11213C>T (p.Ala3738Val)

Gene: AKAP9 (A-kinase anchoring protein 9; plus strand). Cytogenetic location: 7q21.2.
Variant type: single nucleotide variant.
Coding change: c.11213C>T on transcript NM_005751.5 (MANE Select); coding-DNA position 11213, C replaced by T.
Protein change: p.Ala3738Val; replaces alanine 3738 with valine.
Molecular consequence: missense variant.
Genome position (GRCh38, 1-based): chr7:92,102,709, C>T. VCF-style: chr7-92102709-C-T. GRCh37 (hg19) VCF-style: chr7-91732023-C-T.
Other names: c.5858C>T, p.Ala1953Val (NM_001379277.1); c.11189C>T, p.Ala3730Val (NM_147185.3); short protein forms A1953V, A3730V, A3738V.
Identifiers: ClinVar variation 1497491 (VCV001497491.11), dbSNP rs1157417207, ClinGen allele CA368162423.